The following is an entry in ClinVar:

ClinVar aggregate classification (germline): Uncertain significance. Review status: criteria provided, multiple submitters, no conflicts (2 of 4 stars). 2 submissions from 2 submitters: Uncertain significance (2). Last evaluated 2025-08-14.

Conditions:
Inborn genetic diseases. Identifiers: MedGen C0950123, MeSH D030342.

Allele frequency attached by ClinVar (database versions not stated): gnomAD 0.00001 and 0.00002; gnomAD exomes 0.00001; TOPMed 0.00001.
gnomAD v4.1: 32 of 1,614,048 alleles (0.002%); highest among the groups gnomAD compares: Non-Finnish European, 0.0024%; no homozygotes.

Submissions (2):

Ambry Genetics
Classification: Uncertain significance for Inborn genetic diseases. Last evaluated: 2025-08-14. Review status: criteria provided, single submitter. Criteria: Ambry Variant Classification Scheme 2023. Collection method: clinical testing. Allele origin: germline.

Labcorp Genetics (formerly Invitae), Labcorp
Classification: Uncertain significance. Last evaluated: 2021-12-16. Review status: criteria provided, single submitter. Criteria: Invitae Variant Classification Sherloc (09022015). Collection method: clinical testing. Allele origin: germline.
Comment: This sequence change replaces aspartic acid, which is acidic and polar, with asparagine, which is neutral and polar, at codon 30 of the TMEM107 protein (p.Asp30Asn). This variant is present in population databases (no rsID available, gnomAD 0.003%). This variant has not been reported in the literature in individuals affected with TMEM107-related conditions. Algorithms developed to predict the effect of missense changes on protein structure and function are either unavailable or do not agree on the potential impact of this missense change (SIFT: "Tolerated"; PolyPhen-2: "Possibly Damaging"; Align-GVGD: "Class C0"). In summary, the available evidence is currently insufficient to determine the role of this variant in disease. Therefore, it has been classified as a Variant of Uncertain Significance.

NM_183065.4(TMEM107):c.88G>A (p.Asp30Asn)

Genes: TMEM107 (transmembrane protein 107; minus strand), LOC105371520 (uncharacterized LOC105371520; plus strand). Cytogenetic location: 17p13.1.
Variant type: single nucleotide variant.
Coding change: c.88G>A on transcript NM_183065.4 (MANE Select); coding-DNA position 88, G replaced by A.
Protein change: p.Asp30Asn; replaces aspartic acid 30 with asparagine.
Molecular consequence: missense variant.
Genome position (GRCh38, 1-based): chr17:8,176,026, C>T on the plus strand (G>A on the coding strand, the complement: TMEM107 is on the minus strand). VCF-style: chr17-8176026-C-T. GRCh37 (hg19) VCF-style: chr17-8079344-C-T.
Other names: c.88G>A, p.Asp30Asn (NM_001351278.2, NM_001351279.2, NM_001351280.2 and 1 more transcripts); c.88G>A (NM_032354.3); short protein forms D30N.
Identifiers: ClinVar variation 1488305 (VCV001488305.4), dbSNP rs1049214287, ClinGen allele CA287528337.
Genomic context (GRCh38, chr17:8,176,026, plus strand): 5'-CCTGCTTGTCATACTCCTCGGGGGTGAACGTGAGAGGCAGGCAGGCCTGTATGTTGCTGT[C>T]CTGGGAGCAGGGCACAGGAAGAGAAGTGAAAAAGGGGCAGGCTGCAGGGCAGGCCTGGGG-3'
Protein context (NP_898888.1, residues 20-40): VVVITLFWSR[Asp30Asn]SNIQACLPLT